The following is an entry in ClinVar:

NM_022168.4(IFIH1):c.599C>T (p.Ser200Phe)

Gene: IFIH1 (interferon induced with helicase C domain 1; minus strand). Cytogenetic location: 2q24.2.
Variant type: single nucleotide variant.
Coding change: c.599C>T on transcript NM_022168.4 (MANE Select); coding-DNA position 599, C replaced by T.
Protein change: p.Ser200Phe; replaces serine 200 with phenylalanine.
Molecular consequence: missense variant.
Genome position (GRCh38, 1-based): chr2:162,310,788, G>A on the plus strand (C>T on the coding strand, the complement: IFIH1 is on the minus strand). VCF-style: chr2-162310788-G-A. GRCh37 (hg19) VCF-style: chr2-163167298-G-A.
Other names: short protein forms S200F.
Identifiers: ClinVar variation 1358202 (VCV001358202.8), dbSNP rs2105230439, ClinGen allele CA349010644.
Genomic context (GRCh38, chr2:162,310,788, plus strand): 5'-GAATTTGAAGAATCTTCCTCAGTAAAATTACAAATACCTGCATTGCTTTCTGAGCAATCA[G>A]AGCCTGTTAACTCTTGGACAAGTTCATTGTTTCCTGTTTGACGAAGAACATTCAGAAATG-3'
Protein context (NP_071451.2, residues 190-210): NNELVQELTG[Ser200Phe]DCSESNAEIE

ClinVar aggregate classification (germline): Uncertain significance (1 of 4 stars; one submission).

Conditions:
Aicardi-Goutieres syndrome 7 (AGS7). Identifiers: Orphanet 51, MedGen C3888244, MONDO:0014367, OMIM 615846.
Singleton-Merten syndrome 1 (SGMRT1). Also called: Widened medullary cavities of bone, aortic calcification, abnormal dentition, and muscular weakness; Syndrome of widened medullary cavities of the metacarpals and phalanges, aortic calcification and abnormal dentition. Identifiers: Orphanet 85191, MedGen C4225427, MONDO:0024535, OMIM 182250.

Submission:

Labcorp Genetics (formerly Invitae), Labcorp
Classification: Uncertain significance for Aicardi-Goutieres syndrome 7; Singleton-Merten syndrome 1. Last evaluated: 2021-06-01. Review status: criteria provided, single submitter. Criteria: Invitae Variant Classification Sherloc (09022015). Collection method: clinical testing. Allele origin: germline.
Comment: In summary, the available evidence is currently insufficient to determine the role of this variant in disease. Therefore, it has been classified as a Variant of Uncertain Significance. Algorithms developed to predict the effect of missense changes on protein structure and function (SIFT, PolyPhen-2, Align-GVGD) all suggest that this variant is likely to be tolerated, but these predictions have not been confirmed by published functional studies and their clinical significance is uncertain. This variant has not been reported in the literature in individuals with IFIH1-related conditions. This variant is not present in population databases (ExAC no frequency). This sequence change replaces serine with phenylalanine at codon 200 of the IFIH1 protein (p.Ser200Phe). The serine residue is weakly conserved and there is a large physicochemical difference between serine and phenylalanine.